The following is an entry in ClinVar:

ClinVar aggregate classification (germline): Pathogenic (1 of 4 stars; one submission).

Conditions:
Mucopolysaccharidosis, MPS-II (MPS2). Also called: Hunter Syndrome; IDURONATE 2-SULFATASE DEFICIENCY; Mucopolysaccharidosis Type II; Mucopolysaccharidosis type 2; Attenuated MPS (subtype; formerly known as mild MPS II); Severe MPS II. Identifiers: Orphanet 580, Orphanet 79388, MedGen C0026705, MONDO:0010674, OMIM 309900.

Submission:

Laboratory of Diagnosis and Therapy of Lysosomal Disorders, University of Padova
Classification: Pathogenic for Mucopolysaccharidosis, MPS-II. Last evaluated: 2024-06-07. Review status: criteria provided, single submitter. Criteria: ACMG Guidelines, 2015. Collection method: literature only. Allele origin: germline. Affected: yes. Observed: 1 variant allele.
Comment: Null variant (PVS1_VeryStrong), De novo (PS2_VeryStrong), Absent from controls (or at low frequency) in gnomAD database (PM2_Moderate), Patient’s phenotype or family history highly specific for the disease (PP4_Moderate)

Classification method: ACMG Guidelines [PMID:25741868] with modifications

Literature cited by the submitters: PubMed 21291454.

NM_000202.8(IDS):c.420del

Genes: IDS (iduronate 2-sulfatase; minus strand), LOC106050102 (IDS recombination region; plus strand). Cytogenetic location: Xq28.
Variant type: Deletion.
Coding change: c.420del on transcript NM_000202.8 (MANE Select); coding-DNA position 420, one base deleted (G; older notation c.420delG).
Molecular consequence: splice acceptor variant.
Genome position (GRCh38, 1-based): chrX:149,501,036, C deleted on the plus strand (G on the coding strand, the reverse complement: IDS is on the minus strand); the first of 3 consecutive C bases (chrX:149,501,036-149,501,038); deleting any one gives the same sequence. VCF-style (leftmost placement, unchanged base first): chrX-149501035-TC-T. GRCh37 (hg19) VCF-style: chrX-148582566-TC-T.
Identifiers: ClinVar variation 3255720 (VCV003255720.2).